The following is an entry in ClinVar:

NM_003737.4(DCHS1):c.7387G>A (p.Ala2463Thr)

Gene: DCHS1 (dachsous cadherin-related 1; minus strand). Cytogenetic location: 11p15.4.
Variant type: single nucleotide variant.
Coding change: c.7387G>A on transcript NM_003737.4 (MANE Select); coding-DNA position 7387, G replaced by A.
Protein change: p.Ala2463Thr; replaces alanine 2463 with threonine.
Molecular consequence: missense variant.
Genome position (GRCh38, 1-based): chr11:6,624,289, C>T on the plus strand (G>A on the coding strand, the complement: DCHS1 is on the minus strand). VCF-style: chr11-6624289-C-T. GRCh37 (hg19) VCF-style: chr11-6645520-C-T.
Other names: short protein forms A2463T.
Identifiers: ClinVar variation 2131984 (VCV002131984.4), dbSNP rs771796832, ClinGen allele CA5859617.

ClinVar aggregate classification (germline): Uncertain significance (1 of 4 stars; one submission).

Allele frequency attached by ClinVar (database versions not stated): gnomAD exomes below 0.00001; ExAC 0.00002.
gnomAD v4.1: 1 of 1,598,746 alleles (0.000063%); highest among the groups gnomAD compares: Non-Finnish European, 0.000085%; no homozygotes.

Submission:

Labcorp Genetics (formerly Invitae), Labcorp
Classification: Uncertain significance. Last evaluated: 2022-04-29. Review status: criteria provided, single submitter. Criteria: Invitae Variant Classification Sherloc (09022015). Collection method: clinical testing. Allele origin: germline.
Comment: In summary, the available evidence is currently insufficient to determine the role of this variant in disease. Therefore, it has been classified as a Variant of Uncertain Significance. Advanced modeling of protein sequence and biophysical properties (such as structural, functional, and spatial information, amino acid conservation, physicochemical variation, residue mobility, and thermodynamic stability) performed at Invitae indicates that this missense variant is not expected to disrupt DCHS1 protein function. This variant has not been reported in the literature in individuals affected with DCHS1-related conditions. This variant is not present in population databases (gnomAD no frequency). This sequence change replaces alanine, which is neutral and non-polar, with threonine, which is neutral and polar, at codon 2463 of the DCHS1 protein (p.Ala2463Thr).